The following is an entry in ClinVar:

ClinVar aggregate classification (germline): Pathogenic (1 of 4 stars; one submission).

Conditions:
Cohen syndrome (COH1). Also called: PEPPER SYNDROME; Cutis verticis gyrata, retinitis pigmentosa, and sensorineural deafness. Identifiers: Orphanet 193, MedGen C0265223, MONDO:0008999, OMIM 216550.

Submission:

Labcorp Genetics (formerly Invitae), Labcorp
Classification: Pathogenic for Cohen syndrome. Last evaluated: 2022-09-09. Review status: criteria provided, single submitter. Criteria: Invitae Variant Classification Sherloc (09022015). Collection method: clinical testing. Allele origin: germline.
Comment: This sequence change creates a premature translational stop signal (p.Gln3784*) in the VPS13B gene. It is expected to result in an absent or disrupted protein product. Loss-of-function variants in VPS13B are known to be pathogenic (PMID: 15141358, 16648375, 20461111). This variant is not present in population databases (gnomAD no frequency). For these reasons, this variant has been classified as Pathogenic. This variant has not been reported in the literature in individuals affected with VPS13B-related conditions.

Literature cited by the submitters: PubMed 15141358; PubMed 16648375; PubMed 20461111.

NM_152564.5(VPS13B):c.11275C>T (p.Gln3759Ter)

Gene: VPS13B (vacuolar protein sorting 13 homolog B; plus strand). Cytogenetic location: 8q22.2.
Variant type: single nucleotide variant.
Coding change: c.11275C>T on transcript NM_152564.5 (MANE Select); coding-DNA position 11275, C replaced by T.
Protein change: p.Gln3759Ter; replaces glutamine 3759 with a stop codon.
Molecular consequence: nonsense.
Genome position (GRCh38, 1-based): chr8:99,868,348, C>T. VCF-style: chr8-99868348-C-T. GRCh37 (hg19) VCF-style: chr8-100880576-C-T.
Other names: c.11350C>T, p.Gln3784Ter (NM_017890.5); short protein forms Q3759*, Q3784*.
Identifiers: ClinVar variation 2142614 (VCV002142614.4), dbSNP rs797046093, ClinGen allele CA371791942.
Genomic context (GRCh38, chr8:99,868,348, plus strand): 5'-GGTGCAATTGCTGGTATAGTTGATCAGCCGATGCAGAACTTCCAGAAAACATCTGAGGCA[C>T]AGGCTTCAGCAGGACACAAGGCCAAGGGTGTCATCTCGGGTGTGGGGAAAGGAATCATGG-3'